The following is an entry in ClinVar:

ClinVar aggregate classification (germline): Uncertain significance (1 of 4 stars; one submission).

Submission:

GeneDx
Classification: Uncertain significance. Last evaluated: 2025-07-17. Review status: criteria provided, single submitter. Criteria: GeneDx Variant Classification Process June 2021. Collection method: clinical testing. Allele origin: germline. Affected: yes.
Comment: In silico analysis supports that this missense variant has a deleterious effect on protein structure/function; Has not been previously published as pathogenic or benign to our knowledge

NM_000384.3(APOB):c.13106A>G (p.Glu4369Gly)

Gene: APOB (apolipoprotein B; minus strand). Cytogenetic location: 2p24.1.
Variant type: single nucleotide variant.
Coding change: c.13106A>G on transcript NM_000384.3 (MANE Select); coding-DNA position 13106, A replaced by G.
Protein change: p.Glu4369Gly; replaces glutamic acid 4369 with glycine.
Molecular consequence: missense variant.
Genome position (GRCh38, 1-based): chr2:21,002,316, T>C on the plus strand (A>G on the coding strand, the complement: APOB is on the minus strand). VCF-style: chr2-21002316-T-C. GRCh37 (hg19) VCF-style: chr2-21225188-T-C.
Other names: short protein forms E4369G.
Identifiers: ClinVar variation 4686328 (VCV004686328.1).